The following is an entry in ClinVar:

NM_001395656.1(ROBO2):c.1984G>T (p.Val662Phe)

Genes: ROBO2 (roundabout guidance receptor 2; plus strand), LOC126806727 (BRD4-independent group 4 enhancer GRCh37_chr3:77623115-77624314; plus strand). Cytogenetic location: 3p12.3.
Variant type: single nucleotide variant.
Coding change: c.1984G>T on transcript NM_001395656.1 (MANE Select); coding-DNA position 1984, G replaced by T.
Protein change: p.Val662Phe; replaces valine 662 with phenylalanine.
Molecular consequence: missense variant.
Genome position (GRCh38, 1-based): chr3:77,574,499, G>T. VCF-style: chr3-77574499-G-T. GRCh37 (hg19) VCF-style: chr3-77623650-G-T.
Other names: c.2032G>T, p.Val678Phe (NM_001378190.1, NM_001378191.1, NM_001378195.1 and 4 more transcripts); c.2053G>T, p.Val685Phe (NM_001378192.1, NM_001378194.1, NM_001378198.1 and 2 more transcripts); c.1972G>T, p.Val658Phe (NM_001378193.1, NM_001378197.1, NM_002942.5); c.2020G>T, p.Val674Phe (NM_001128929.3); c.1984G>T, p.Val662Phe (NM_001290039.2, NM_001290040.2, NM_001378202.1); c.193G>T, p.Val65Phe (NM_001290065.2); c.2041G>T, p.Val681Phe (NM_001394212.1, NM_001394214.1, NM_001395657.1); short protein forms V685F, V65F, V662F, V678F, V681F, V658F, V674F.
Identifiers: ClinVar variation 4156007 (VCV004156007.2).

ClinVar aggregate classification (germline): Uncertain significance. Review status: criteria provided, multiple submitters, no conflicts (2 of 4 stars). 2 submissions from 2 submitters: Uncertain significance (2). Last evaluated 2025-08-08.

Conditions:
ROBO2-related disorder. Also called: ROBO2-related condition.
Inborn genetic diseases. Identifiers: MedGen C0950123, MeSH D030342.

gnomAD v4.1: 5 of 1,612,766 alleles (0.00031%); highest among the groups gnomAD compares: African/African-American, 0.0053%; no homozygotes.

Submissions (2):

Ambry Genetics
Classification: Uncertain significance for Inborn genetic diseases. Last evaluated: 2025-08-08. Review status: criteria provided, single submitter. Criteria: Ambry Variant Classification Scheme 2023. Collection method: clinical testing. Allele origin: germline.

PreventionGenetics, part of Exact Sciences
Classification: Uncertain significance for ROBO2-related condition. Last evaluated: 2025-03-12. Review status: criteria provided, single submitter. Criteria: ACMG Guidelines, 2015. Collection method: clinical testing. Allele origin: germline.
Comment: The ROBO2 c.2020G>T variant is predicted to result in the amino acid substitution p.Val674Phe. To our knowledge, this variant has not been reported in the literature or in a large population database (gnomAD), indicating this variant is rare. At this time, the clinical significance of this variant is uncertain due to the absence of conclusive functional and genetic evidence.